The following is an entry in ClinVar:

ClinVar aggregate classification (germline): Likely pathogenic (1 of 4 stars; one submission).

Conditions:
Joubert syndrome. Also called: CEREBELLOPARENCHYMAL DISORDER IV; JOUBERT-BOLTSHAUSER SYNDROME; Familial aplasia of the vermis. Identifiers: Orphanet 475, MedGen C5979921, MONDO:0018772.
Meckel-Gruber syndrome. Also called: DYSENCEPHALIA SPLANCHNOCYSTICA; GRUBER SYNDROME; Dysencephalia splachnocystica. Identifiers: Orphanet 564, MedGen C0265215, MONDO:0018921.

Allele frequency attached by ClinVar (database versions not stated): gnomAD exomes below 0.00001.
gnomAD v4.1: 1 of 1,614,074 alleles (0.000062%); highest among the groups gnomAD compares: South Asian, 0.0011%; no homozygotes.

Submission:

Labcorp Genetics (formerly Invitae), Labcorp
Classification: Likely pathogenic for Joubert syndrome; Meckel-Gruber syndrome. Last evaluated: 2023-03-03. Review status: criteria provided, single submitter. Criteria: Invitae Variant Classification Sherloc (09022015). Collection method: clinical testing. Allele origin: germline.
Comment: This sequence change replaces valine, which is neutral and non-polar, with alanine, which is neutral and non-polar, at codon 673 of the TMEM67 protein (p.Val673Ala). This variant is not present in population databases (gnomAD no frequency). This missense change has been observed in individual(s) with Joubert syndrome (PMID: 21068128). Advanced modeling of protein sequence and biophysical properties (such as structural, functional, and spatial information, amino acid conservation, physicochemical variation, residue mobility, and thermodynamic stability) performed at Invitae indicates that this missense variant is expected to disrupt TMEM67 protein function. Algorithms developed to predict the effect of sequence changes on RNA splicing suggest that this variant may create or strengthen a splice site. In summary, the currently available evidence indicates that the variant is pathogenic, but additional data are needed to prove that conclusively. Therefore, this variant has been classified as Likely Pathogenic.

Literature cited by the submitters: PubMed 21068128.

NM_153704.6(TMEM67):c.2018T>C (p.Val673Ala)

Gene: TMEM67 (transmembrane protein 67; plus strand). Cytogenetic location: 8q22.1.
Variant type: single nucleotide variant.
Coding change: c.2018T>C on transcript NM_153704.6 (MANE Select); coding-DNA position 2018, T replaced by C.
Protein change: p.Val673Ala; replaces valine 673 with alanine.
Molecular consequence: missense variant. On other transcripts: non-coding transcript variant (1).
Genome position (GRCh38, 1-based): chr8:93,797,388, T>C. VCF-style: chr8-93797388-T-C. GRCh37 (hg19) VCF-style: chr8-94809616-T-C.
Other names: c.1775T>C, p.Val592Ala (NM_001142301.1); short protein forms V592A, V673A.
Identifiers: ClinVar variation 2925439 (VCV002925439.3), dbSNP rs2536904460, ClinGen allele CA371693690.
Genomic context (GRCh38, chr8:93,797,388, plus strand): 5'-CAGGTGAGGGTGGTGTACGAAGTGCCACTGTTCCTGTAAGCATATGGAGAACATATTTTG[T>C]AGCAAATGAATGGAATGAAATTCAGACTGTGAGAAAAATTAATTCACTCTTTCAAGTACT-3'
Protein context (NP_714915.3, residues 663-683): VPVSIWRTYF[Val673Ala]ANEWNEIQTV